The following is an entry in ClinVar:

NM_003579.4(RAD54L):c.853C>T (p.Leu285Phe)

Gene: RAD54L (RAD54 like; plus strand). Cytogenetic location: 1p34.1.
Variant type: single nucleotide variant.
Coding change: c.853C>T on transcript NM_003579.4 (MANE Select); coding-DNA position 853, C replaced by T.
Protein change: p.Leu285Phe; replaces leucine 285 with phenylalanine.
Molecular consequence: missense variant.
Genome position (GRCh38, 1-based): chr1:46,261,347, C>T. VCF-style: chr1-46261347-C-T. GRCh37 (hg19) VCF-style: chr1-46727019-C-T.
Other names: c.853C>T, p.Leu285Phe (NM_001142548.2); c.313C>T, p.Leu105Phe (NM_001370766.1); short protein forms L105F, L285F.
Identifiers: ClinVar variation 1763781 (VCV001763781.2), dbSNP rs2525672702, ClinGen allele CA340189217.

ClinVar aggregate classification (germline): Uncertain significance (1 of 4 stars; one submission).

Submission:

Ambry Genetics
Classification: Uncertain significance. Last evaluated: 2022-06-11. Review status: criteria provided, single submitter. Criteria: Ambry Variant Classification Scheme 2023. Collection method: clinical testing. Allele origin: germline.
Comment: The p.L285F variant (also known as c.853C>T), located in coding exon 8 of the RAD54L gene, results from a C to T substitution at nucleotide position 853. The leucine at codon 285 is replaced by phenylalanine, an amino acid with highly similar properties. This amino acid position is conserved. In addition, this alteration is predicted to be deleterious by in silico analysis. Since supporting evidence is limited at this time, the clinical significance of this alteration remains unclear.